The following is an entry in ClinVar:

ClinVar aggregate classification (germline): Uncertain significance (1 of 4 stars; one submission).

gnomAD v4.1: 1 of 1,614,106 alleles (0.000062%); highest among the groups gnomAD compares: African/African-American, 0.0013%; no homozygotes.

Submission:

GeneDx
Classification: Uncertain significance. Last evaluated: 2023-05-31. Review status: criteria provided, single submitter. Criteria: GeneDx Variant Classification Process June 2021. Collection method: clinical testing. Allele origin: germline. Affected: yes.
Comment: Nonsense variant predicted to result in protein truncation as the last 36 amino acids are lost, although loss-of-function variants have not been reported downstream of this position in the protein; Not observed at significant frequency in large population cohorts (gnomAD); Has not been previously published as pathogenic or benign to our knowledge

NM_001723.7(DST):c.7842T>A (p.Tyr2614Ter)

Gene: DST (dystonin; minus strand). Cytogenetic location: 6p12.1.
Variant type: single nucleotide variant.
Coding change: c.7842T>A on transcript NM_001723.7 (MANE Plus Clinical); coding-DNA position 7842, T replaced by A.
Protein change: p.Tyr2614Ter; replaces tyrosine 2614 with a stop codon.
Molecular consequence: nonsense. On other transcripts: intron variant (10).
Genome position (GRCh38, 1-based): chr6:56,615,625, A>T on the plus strand (T>A on the coding strand, the complement: DST is on the minus strand). VCF-style: chr6-56615625-A-T. GRCh37 (hg19) VCF-style: chr6-56480423-A-T.
Other names: c.4831-1141T>A (NM_001144769.5); c.4930-1141T>A (NM_001374722.1, NM_001374736.1); c.4957-1141T>A (NM_001374734.1); c.4417-1141T>A (NM_001144770.2); c.4297-1141T>A (NM_001374730.1, NM_001386100.1, NM_183380.4 and 1 more transcripts); c.3319-1141T>A (NM_015548.5); short protein forms Y2614*.
Identifiers: ClinVar variation 3362103 (VCV003362103.1).
Genomic context (GRCh38, chr6:56,615,625, plus strand): 5'-TACTTCTAACAGTTTAAGTCCTGTGTGGAAATCAAAATCAGCTTTTTCTAAGGCTTCTTT[A>T]TATGTCAACTTTCTTTTTGTCTGAGGGCATATTATATTTCTGACATATGACTTTTGATCT-3'